The following is an entry in ClinVar:

ClinVar aggregate classification (germline): Likely benign (1 of 4 stars; one submission).

Submission:

CeGaT Center for Human Genetics Tuebingen
Classification: Likely benign. Last evaluated: 2025-04-01. Review status: criteria provided, single submitter. Criteria: CeGaT Center For Human Genetics Tuebingen Variant Classification Criteria Version 2. Collection method: clinical testing. Allele origin: germline. Affected: yes. Observed: 1 variant allele.
Comment: MUC4: BP4, BS1

NM_018406.7(MUC4):c.6647C>T (p.Ser2216Leu)

Gene: MUC4 (mucin 4, cell surface associated). Cytogenetic location: 3q29.
Variant type: single nucleotide variant.
Coding change: c.6647C>T on transcript NM_018406.7 (MANE Select); coding-DNA position 6647, C replaced by T.
Protein change: p.Ser2216Leu; replaces serine 2216 with leucine.
Molecular consequence: missense variant. On other transcripts: intron variant (2).
Genome position (GRCh38, 1-based): chr3:195,784,933, G>A on the plus strand (C>T on the coding strand, the complement: MUC4 is on the minus strand). VCF-style: chr3-195784933-G-A. GRCh37 (hg19) VCF-style: chr3-195511804-G-A.
Other names: c.83-10628C>T (NM_138297.5); c.83-6478C>T (NM_004532.6); short protein forms S2216L.
Identifiers: ClinVar variation 3898195 (VCV003898195.7).
Genomic context (GRCh38, chr3:195,784,933, plus strand): 5'-CCTGTGGATGCTGAGGAAGTGTCGGTGACAAGAAGAGGGATGGCGTGACCTGTGGATGCT[G>A]AGGAAGGGCTGGTGACAGGAAGAGGGGTGGCCTGACCTGTGGATGCTGAGGAAGTGTCGG-3'
Protein context (NP_060876.5, residues 2206-2226): ATPLPVTSPS[Ser2216Leu]ASTGHAIPLL